The following is an entry in ClinVar:

NM_001267550.2(TTN):c.26619C>A (p.Asp8873Glu)

Gene: TTN (titin; minus strand). Cytogenetic location: 2q31.2.
Variant type: single nucleotide variant.
Coding change: c.26619C>A on transcript NM_001267550.2 (MANE Select); coding-DNA position 26619, C replaced by A.
Protein change: p.Asp8873Glu; replaces aspartic acid 8873 with glutamic acid.
Molecular consequence: missense variant. On other transcripts: intron variant (3).
Genome position (GRCh38, 1-based): chr2:178,714,039, G>T on the plus strand (C>A on the coding strand, the complement: TTN is on the minus strand). VCF-style: chr2-178714039-G-T. GRCh37 (hg19) VCF-style: chr2-179578766-G-T.
Other names: c.25668C>A, p.Asp8556Glu (NM_001256850.1); c.22887C>A, p.Asp7629Glu (NM_133378.4); c.13282+24043C>A (NM_003319.4); c.13858+24043C>A (NM_133437.4); c.13657+24043C>A (NM_133432.3); short protein forms D8873E, D7629E, D8556E.
Identifiers: ClinVar variation 238728 (VCV000238728.13), dbSNP rs772596633, ClinGen allele CA1999959.

ClinVar aggregate classification (germline): Conflicting classifications of pathogenicity. Review status: criteria provided, conflicting classifications (1 of 4 stars). 5 submissions from 5 submitters: Uncertain significance (3); Likely benign (2). Last evaluated 2026-06-23.

Conditions:
TTN-related disorder. Also called: TTN-related condition; TTN-related disease; TTN-related disorders.
Autosomal recessive limb-girdle muscular dystrophy type 2J (LGMDR10). Also called: MUSCULAR DYSTROPHY, LIMB-GIRDLE, AUTOSOMAL RECESSIVE 10; Limb-girdle muscular dystrophy, type 2J. Identifiers: Orphanet 140922, MedGen C1837342, MONDO:0012127, OMIM 608807.
Dilated cardiomyopathy 1G (CMD1G). Identifiers: Orphanet 154, MedGen C1858763, MONDO:0011400, OMIM 604145.
Cardiomyopathy (CMYO). Also called: Cardiomyopathies. Identifiers: Orphanet 167848, MedGen C0878544, MONDO:0004994, HP:0001638. Inheritance: Various modes of inheritance.

Allele frequency attached by ClinVar (database versions not stated): gnomAD exomes 0.00009 and 0.00014; ExAC 0.00004; gnomAD 0.00005; TOPMed 0.00007.
gnomAD v4.1: 63 of 1,613,448 alleles (0.0039%); highest among the groups gnomAD compares: Admixed American, 0.1%; 1 homozygote.

Submissions (5):

PreventionGenetics, part of Exact Sciences
Classification: Uncertain significance for TTN-related condition. Last evaluated: 2026-06-23. Review status: criteria provided, single submitter. Criteria: ACMG Guidelines, 2015. Collection method: clinical testing. Allele origin: germline.
Comment: The TTN c.26619C>A variant is predicted to result in the amino acid substitution p.Asp8873Glu. To our knowledge, this variant has not been reported in the literature. This variant is reported in 0.099% of alleles in individuals of Latino descent in gnomAD. Although we suspect that this variant may be benign, at this time, the clinical significance of this variant is uncertain due to the absence of conclusive functional and genetic evidence.

CHEO Genetics Diagnostic Laboratory, Children's Hospital of Eastern Ontario
Classification: Likely benign for Cardiomyopathy. Last evaluated: 2021-08-13. Review status: criteria provided, single submitter. Criteria: ACMG Guidelines, 2015. Collection method: clinical testing. Allele origin: germline.

GeneDx
Classification: Likely benign. Last evaluated: 2020-11-23. Review status: criteria provided, single submitter. Criteria: GeneDx Variant Classification Process June 2021. Collection method: clinical testing. Allele origin: germline. Affected: yes.

Labcorp Genetics (formerly Invitae), Labcorp
Classification: Uncertain significance for Dilated cardiomyopathy 1G; Autosomal recessive limb-girdle muscular dystrophy type 2J. Last evaluated: 2017-12-12. Review status: criteria provided, single submitter. Criteria: Invitae Variant Classification Sherloc (09022015). Collection method: clinical testing. Allele origin: germline.

Eurofins Ntd Llc (ga)
Classification: Uncertain significance. Last evaluated: 2015-07-14. Review status: criteria provided, single submitter. Criteria: EGL Classification Definitions 2015. Collection method: clinical testing. Allele origin: germline. Observed: 1 variant allele, 1 heterozygote.